The following is an entry in ClinVar:

ClinVar aggregate classification (germline): Likely benign (1 of 4 stars; one submission).

gnomAD v4.1: 441 of 1,612,190 alleles (0.027%); highest among the groups gnomAD compares: African/African-American, 0.49%; 2 homozygotes.

Submission:

Women's Health and Genetics/Laboratory Corporation of America, LabCorp
Classification: Likely benign. Last evaluated: 2026-02-10. Review status: criteria provided, single submitter. Criteria: LabCorp Variant Classification Summary - May 2015. Collection method: clinical testing. Allele origin: germline.
Comment: Variant summary: IKZF2 c.17T>C (p.Ile6Thr) results in a non-conservative amino acid change in the encoded protein sequence. Algorithms developed to predict the effect of missense changes on protein structure and function are either unavailable or do not agree on the potential impact of this missense change. The variant allele was found at a frequency of 0.00043 in 251082 control chromosomes, predominantly at a frequency of 0.0057 within the African or African-American subpopulation in the gnomAD database. The observed variant frequency within African or African-American control individuals in the gnomAD database exceeds the estimated maximal expected allele frequency for disease-causing variants in IKZF2. To our knowledge, no occurrence of c.17T>C in individuals affected with IKZF2-related conditions and no experimental evidence demonstrating its impact on protein function have been reported. No submitters have cited clinical-significance assessments for this variant to ClinVar. Based on the evidence outlined above, the variant was classified as likely benign.

NM_001387220.1(IKZF2):c.17T>C (p.Ile6Thr)

Gene: IKZF2 (IKAROS family zinc finger 2; minus strand). Cytogenetic location: 2q34.
Variant type: single nucleotide variant.
Coding change: c.17T>C on transcript NM_001387220.1 (MANE Select); coding-DNA position 17, T replaced by C.
Protein change: p.Ile6Thr; replaces isoleucine 6 with threonine.
Molecular consequence: missense variant.
Genome position (GRCh38, 1-based): chr2:213,148,613, A>G on the plus strand (T>C on the coding strand, the complement: IKZF2 is on the minus strand). VCF-style: chr2-213148613-A-G. GRCh37 (hg19) VCF-style: chr2-214013337-A-G.
Other names: c.17T>C, p.Ile6Thr (NM_001079526.2, NM_001371274.1, NM_001371275.1 and 3 more transcripts); short protein forms I6T.
Identifiers: ClinVar variation 4847938 (VCV004847938.1).
Genomic context (GRCh38, chr2:213,148,613, plus strand): 5'-CAACTTTATTACCAATAACAAATCAATGAAAACTAATACTTACACGTTATATAGCCATCA[A>G]TAGCCTCTGTTTCCATAGTCAAAGTGCAATGCTGCAAAACAAAAGATTATACCCTTAATA-3'
Protein context (NP_001374149.1, residues 1-16): METEA[Ile6Thr]DGYITCDNEL